The following is an entry in ClinVar:

ClinVar aggregate classification (germline): Uncertain significance (1 of 4 stars; one submission).

Conditions:
Combined oxidative phosphorylation defect type 27. Also called: Combined oxidative phosphorylation deficiency 27. Identifiers: Orphanet 477774, MedGen C5567608, MONDO:0014728, OMIM 616672.

Allele frequency attached by ClinVar (database versions not stated): gnomAD 0.00001 and 0.00002; ExAC 0.00003; gnomAD exomes 0.00003 and 0.00004; 1000 Genomes Project 0.00020; 1000 Genomes Project 30x 0.00031.

Submission:

Labcorp Genetics (formerly Invitae), Labcorp
Classification: Uncertain significance for Combined oxidative phosphorylation defect type 27. Last evaluated: 2022-02-05. Review status: criteria provided, single submitter. Criteria: Invitae Variant Classification Sherloc (09022015). Collection method: clinical testing. Allele origin: germline.
Comment: This sequence change replaces asparagine, which is neutral and polar, with serine, which is neutral and polar, at codon 431 of the CARS2 protein (p.Asn431Ser). This variant is present in population databases (rs548716694, gnomAD 0.02%). This variant has not been reported in the literature in individuals affected with CARS2-related conditions. ClinVar contains an entry for this variant (Variation ID: 1063663). Algorithms developed to predict the effect of missense changes on protein structure and function are either unavailable or do not agree on the potential impact of this missense change (SIFT: "Tolerated"; PolyPhen-2: "Possibly Damaging"; Align-GVGD: "Class C0"). In summary, the available evidence is currently insufficient to determine the role of this variant in disease. Therefore, it has been classified as a Variant of Uncertain Significance.

NM_024537.4(CARS2):c.1292A>G (p.Asn431Ser)

Gene: CARS2 (cysteinyl-tRNA synthetase 2, mitochondrial; minus strand). Cytogenetic location: 13q34.
Variant type: single nucleotide variant.
Coding change: c.1292A>G on transcript NM_024537.4 (MANE Select); coding-DNA position 1292, A replaced by G.
Protein change: p.Asn431Ser; replaces asparagine 431 with serine.
Molecular consequence: missense variant. On other transcripts: non-coding transcript variant (2).
Genome position (GRCh38, 1-based): chr13:110,645,992, T>C on the plus strand (A>G on the coding strand, the complement: CARS2 is on the minus strand). VCF-style: chr13-110645992-T-C. GRCh37 (hg19) VCF-style: chr13-111298339-T-C.
Other names: c.506A>G, p.Asn169Ser (NM_001352252.2); short protein forms N169S, N431S.
Identifiers: ClinVar variation 1063663 (VCV001063663.6), dbSNP rs548716694, ClinGen allele CA7051846.
Genomic context (GRCh38, chr13:110,645,992, plus strand): 5'-AGCAGGACCGCAAGGCCACCTGTTCGTTGAGCTACCTTCAGGGACGCCCTGAGCTGTCCA[T>C]TCCCGTGGTGTGCAAGGCCCAGGATGGCATCAACCACCCTGGGTGTGTCAAAATCATCTG-3'
Protein context (NP_078813.1, residues 421-441): DAILGLAHHG[Asn431Ser]GQLRASLKEP